The following is an entry in ClinVar:

ClinVar aggregate classification (germline): Uncertain significance (1 of 4 stars; one submission).

Conditions:
Inborn genetic diseases. Identifiers: MedGen C0950123, MeSH D030342.

gnomAD v4.1: 8 of 1,614,126 alleles (0.0005%); highest among the groups gnomAD compares: Admixed American, 0.013%; no homozygotes.

Submission:

Ambry Genetics
Classification: Uncertain significance for Inborn genetic diseases. Last evaluated: 2024-12-12. Review status: criteria provided, single submitter. Criteria: Ambry Variant Classification Scheme 2023. Collection method: clinical testing. Allele origin: germline.
Comment: The p.E292A variant (also known as c.875A>C), located in coding exon 3 of the SH2B3 gene, results from an A to C substitution at nucleotide position 875. The glutamic acid at codon 292 is replaced by alanine, an amino acid with dissimilar properties. This amino acid position is conserved. In addition, this alteration is predicted to be tolerated by in silico analysis. Based on the available evidence, the clinical significance of this variant remains unclear.

NM_005475.3(SH2B3):c.875A>C (p.Glu292Ala)

Gene: SH2B3 (SH2B adaptor protein 3; plus strand). Cytogenetic location: 12q24.12.
Variant type: single nucleotide variant.
Coding change: c.875A>C on transcript NM_005475.3 (MANE Select); coding-DNA position 875, A replaced by C.
Protein change: p.Glu292Ala; replaces glutamic acid 292 with alanine.
Molecular consequence: missense variant.
Genome position (GRCh38, 1-based): chr12:111,446,982, A>C. VCF-style: chr12-111446982-A-C. GRCh37 (hg19) VCF-style: chr12-111884786-A-C.
Other names: c.269A>C, p.Glu90Ala (NM_001291424.1); short protein forms E90A, E292A.
Identifiers: ClinVar variation 3794986 (VCV003794986.1).